The following is an entry in ClinVar:

NM_000321.3(RB1):c.2507del (p.Gly836fs)

Gene: RB1 (RB transcriptional corepressor 1; plus strand). Cytogenetic location: 13q14.2.
Variant type: Deletion.
Coding change: c.2507del on transcript NM_000321.3 (MANE Select); coding-DNA position 2507, one base deleted (G; older notation c.2507delG).
Protein change: p.Gly836fs; shifts the reading frame from glycine 836.
Molecular consequence: frameshift variant.
Genome position (GRCh38, 1-based): chr13:48,473,377, G deleted; the last of 2 consecutive G bases (chr13:48,473,376-48,473,377); deleting either gives the same sequence. VCF-style (leftmost placement, unchanged base first): chr13-48473375-TG-T. GRCh37 (hg19) VCF-style: chr13-49047511-TG-T.
Other names: c.2507del, p.Gly836fs (NM_001407165.1); short protein forms G836fs.
Identifiers: ClinVar variation 3237104 (VCV003237104.1), dbSNP rs2542381578.

ClinVar aggregate classification (germline): Pathogenic (1 of 4 stars; one submission).

Conditions:
Retinoblastoma (RB1). Also called: RETINOBLASTOMA, SOMATIC. Identifiers: Orphanet 790, MedGen C0035335, MeSH D012175, MONDO:0008380, OMIM 180200, HP:0009919. Disease mechanism: loss of function. Inheritance: Both sporadic and heritable forms are tested..

Submission:

Genetic Diagnostic Laboratory, University of Pennsylvania School of Medicine
Classification: Pathogenic for Retinoblastoma. Last evaluated: 2024-05-20. Review status: criteria provided, single submitter. Criteria: ACMG Guidelines, 2015. Collection method: clinical testing. Allele origin: germline. Affected: yes. Observed: 1 variant allele.
Comment: Case and Pedigree Information: BILATERAL CASES:1, UNILATERAL CASES:0, TOTAL CASES:1, PEDIGREES:1. ACMG Codes Applied:PVS1, PM2